The following is an entry in ClinVar:

NM_005535.3(IL12RB1):c.913A>T (p.Lys305Ter)

Gene: IL12RB1 (interleukin 12 receptor subunit beta 1; minus strand). Cytogenetic location: 19p13.11.
Variant type: single nucleotide variant.
Coding change: c.913A>T on transcript NM_005535.3 (MANE Select); coding-DNA position 913, A replaced by T.
Protein change: p.Lys305Ter; replaces lysine 305 with a stop codon.
Molecular consequence: nonsense.
Genome position (GRCh38, 1-based): chr19:18,072,220, T>A on the plus strand (A>T on the coding strand, the complement: IL12RB1 is on the minus strand). VCF-style: chr19-18072220-T-A. GRCh37 (hg19) VCF-style: chr19-18183030-T-A.
Other names: c.913A>T, p.Lys305Ter (NM_001290023.2, NM_153701.3); c.1033A>T, p.Lys345Ter (NM_001290024.2); short protein forms K305*, K345*.
Identifiers: ClinVar variation 488832 (VCV000488832.6), dbSNP rs1555782866, ClinGen allele CA404780152.
Genomic context (GRCh38, chr19:18,072,220, plus strand): 5'-CAAATTGGTTCGAGGAGATGACAGCCACGTTGTAGGCAGCACCCGAGAGATAGGGCATCT[T>A]CCCCAGGTGCAGGGTCCTGGTGGCCTTGGCCTTACACGGGCAGGACAGCATGTGGAGCTG-3'

ClinVar aggregate classification (germline): Pathogenic. Review status: criteria provided, multiple submitters, no conflicts (2 of 4 stars). 2 submissions from 2 submitters: Pathogenic (2). Last evaluated 2024-01-26.

Conditions:
Mendelian susceptibility to mycobacterial diseases due to complete IL12RB1 deficiency. Also called: Immunodeficiency 30; IL12RB1 DEFICIENCY. Identifiers: Orphanet 319552, MedGen C4013949, MONDO:0013955, OMIM 614891.

Allele frequency attached by ClinVar (database versions not stated): gnomAD 0.00001; gnomAD exomes 0.00001; TOPMed 0.00001.
gnomAD v4.1: 9 of 1,613,916 alleles (0.00056%); highest among the groups gnomAD compares: Non-Finnish European, 0.00076%; no homozygotes.

Submissions (2):

Labcorp Genetics (formerly Invitae), Labcorp
Classification: Pathogenic for Mendelian susceptibility to mycobacterial diseases due to complete IL12RB1 deficiency. Last evaluated: 2024-01-26. Review status: criteria provided, single submitter. Criteria: Invitae Variant Classification Sherloc (09022015). Collection method: clinical testing. Allele origin: germline.
Comment: This sequence change creates a premature translational stop signal (p.Lys305*) in the IL12RB1 gene. It is expected to result in an absent or disrupted protein product. Loss-of-function variants in IL12RB1 are known to be pathogenic (PMID: 9603733, 12591909). This variant is not present in population databases (gnomAD no frequency). This premature translational stop signal has been observed in individual(s) with clinical features mendelian susceptibility to mycobacterial disease (PMID: 9603732; Invitae). ClinVar contains an entry for this variant (Variation ID: 488832). For these reasons, this variant has been classified as Pathogenic.

GeneDx
Classification: Pathogenic. Last evaluated: 2017-12-07. Review status: criteria provided, single submitter. Criteria: GeneDx Variant Classification (06012015). Collection method: clinical testing. Allele origin: germline. Affected: yes.
Comment: The K305X variant in the IL12RB1 gene has been reported previously in he homozygous state in a patient with disseminated mycobacterial infection attributable to BCG; flow cytometry studies on T-cells from this individual suggested that this variant may preclude surface expression of the receptor (Altare et al., 1998). This variant is predicted to cause loss of normal protein function either through protein truncation or nonsense-mediated mRNA decay. The K305X variant is not observed in large population cohorts (Lek et al., 2016). We interpret K305X as a pathogenic variant.

Literature cited by the submitters: PubMed 9603733 (cited by Labcorp Genetics (formerly Invitae), Labcorp); PubMed 12591909 (cited by Labcorp Genetics (formerly Invitae), Labcorp); PubMed 9603732 (cited by Labcorp Genetics (formerly Invitae), Labcorp).